The following is an entry in ClinVar:

ClinVar aggregate classification (germline): Uncertain significance (1 of 4 stars; one submission).

Conditions:
Kartagener syndrome (CILD1). Also called: SIEWERT SYNDROME; CILIARY DYSKINESIA, PRIMARY, 1; CILIARY DYSKINESIA, PRIMARY, 1, WITH OR WITHOUT SITUS INVERSUS; IMMOTILE CILIA SYNDROME; POLYNESIAN BRONCHIECTASIS; Dextrocardia bronchiectasis and sinusitis. Identifiers: Orphanet 244, MedGen C4551906, MONDO:0009484, OMIM 244400.

gnomAD v4.1: 1 of 1,612,426 alleles (0.000062%); highest among the groups gnomAD compares: Non-Finnish European, 0.000085%; no homozygotes.

Submission:

Coskunpinar Laboratory, Saglik Bilimleri University, Hamidiye School of Medicine
Classification: Uncertain significance for Kartagener syndrome. Last evaluated: 2026-02-02. Review status: criteria provided, single submitter. Criteria: ACMG Guidelines, 2015. Collection method: research. Allele origin: germline. Affected: yes. Observed: 1 variant allele, 1 heterozygote.
Comment: Novel missense variant classified as uncertain significance by Qiagen Clinical Insight Interpret which implements ACMG/AMP variant interpretation guidelines. No definitive pathogenic or benign evidence currently available.

NM_007335.4(DLEC1):c.1454G>A (p.Cys485Tyr)

Gene: DLEC1 (DLEC1 cilia and flagella associated protein; plus strand). Cytogenetic location: 3p22.2.
Variant type: single nucleotide variant.
Coding change: c.1454G>A on transcript NM_007335.4 (MANE Select); coding-DNA position 1454, G replaced by A.
Protein change: p.Cys485Tyr; replaces cysteine 485 with tyrosine.
Molecular consequence: missense variant.
Genome position (GRCh38, 1-based): chr3:38,086,259, G>A. VCF-style: chr3-38086259-G-A. GRCh37 (hg19) VCF-style: chr3-38127750-G-A.
Other names: p.Cys485Tyr; c.1454G>A, p.Cys485Tyr (NM_001321153.2, NM_007337.4); short protein forms C485Y.
Identifiers: ClinVar variation 4795794 (VCV004795794.1).